The following is an entry in ClinVar:

ClinVar aggregate classification (germline): Uncertain significance (1 of 4 stars; one submission).

Conditions:
IFT172-related disorder. Also called: IFT172-related condition; IFT172-related disorders.

Submission:

PreventionGenetics, part of Exact Sciences
Classification: Uncertain significance for IFT172-related condition. Last evaluated: 2025-07-01. Review status: criteria provided, single submitter. Criteria: ACMG Guidelines, 2015. Collection method: clinical testing. Allele origin: germline.
Comment: The IFT172 c.1377G>T variant is predicted to result in the amino acid substitution p.Leu459Phe. To our knowledge, this variant has not been reported in the literature or in a large population database (gnomAD), indicating this variant is rare. At this time, the clinical significance of this variant is uncertain due to the absence of conclusive functional and genetic evidence.

NM_015662.3(IFT172):c.1377G>T (p.Leu459Phe)

Gene: IFT172 (intraflagellar transport 172; minus strand). Cytogenetic location: 2p23.3.
Variant type: single nucleotide variant.
Coding change: c.1377G>T on transcript NM_015662.3 (MANE Select); coding-DNA position 1377, G replaced by T.
Protein change: p.Leu459Phe; replaces leucine 459 with phenylalanine.
Molecular consequence: missense variant.
Genome position (GRCh38, 1-based): chr2:27,476,675, C>A on the plus strand (G>T on the coding strand, the complement: IFT172 is on the minus strand). VCF-style: chr2-27476675-C-A. GRCh37 (hg19) VCF-style: chr2-27699542-C-A.
Other names: c.1377G>T, p.Leu459Phe (NM_001410739.1); short protein forms L459F.
Identifiers: ClinVar variation 4985702 (VCV004985702.1).
Genomic context (GRCh38, chr2:27,476,675, plus strand): 5'-TAAAATTATGAGAGAGTCTTACTCACCTATAGCAATAGTCTTAATATCAATAAGATAAGC[C>A]AATTTCTTATTATCTTCTGTTCCTCGCTGACACCTCTCATTAATACGAACACTGAAACAT-3'
Protein context (NP_056477.1, residues 449-469): CQRGTEDNKK[Leu459Phe]AYLIDIKTIA